The following is an entry in ClinVar:

ClinVar aggregate classification (germline): Pathogenic/Likely pathogenic. Review status: criteria provided, multiple submitters, no conflicts (2 of 4 stars). 2 submissions from 2 submitters: Pathogenic (1); Likely pathogenic (1). Last evaluated 2023-06-26.

Conditions:
Familial hemophagocytic lymphohistiocytosis 5. Also called: STXBP2-Related Familial Hemophagocytic Lymphohistiocytosis (STXBP2-fHLH). Identifiers: Orphanet 540, MedGen C2751293, MONDO:0013135, OMIM 613101.

Allele frequency attached by ClinVar (database versions not stated): ExAC 0.00001.
gnomAD v4.1: 1 of 1,613,420 alleles (0.000062%); highest among the groups gnomAD compares: Admixed American, 0.0017%; no homozygotes.

Submissions (2):

Baylor Genetics
Classification: Likely pathogenic for Familial hemophagocytic lymphohistiocytosis 5. Last evaluated: 2023-06-26. Review status: criteria provided, single submitter. Criteria: ACMG Guidelines, 2015. Collection method: clinical testing. Allele origin: unknown.

Labcorp Genetics (formerly Invitae), Labcorp
Classification: Pathogenic for Familial hemophagocytic lymphohistiocytosis 5. Last evaluated: 2023-03-07. Review status: criteria provided, single submitter. Criteria: Invitae Variant Classification Sherloc (09022015). Collection method: clinical testing. Allele origin: germline.
Comment: This sequence change creates a premature translational stop signal (p.Glu380*) in the STXBP2 gene. It is expected to result in an absent or disrupted protein product. Loss-of-function variants in STXBP2 are known to be pathogenic (PMID: 19804848, 22451424). This variant is present in population databases (rs772141641, gnomAD 0.003%). This variant has not been reported in the literature in individuals affected with STXBP2-related conditions. For these reasons, this variant has been classified as Pathogenic.

Literature cited by the submitters: PubMed 19804848 (cited by Labcorp Genetics (formerly Invitae), Labcorp); PubMed 22451424 (cited by Labcorp Genetics (formerly Invitae), Labcorp).

NM_006949.4(STXBP2):c.1138G>T (p.Glu380Ter)

Gene: STXBP2 (syntaxin binding protein 2; plus strand). Cytogenetic location: 19p13.2.
Variant type: single nucleotide variant.
Coding change: c.1138G>T on transcript NM_006949.4 (MANE Select); coding-DNA position 1138, G replaced by T.
Protein change: p.Glu380Ter; replaces glutamic acid 380 with a stop codon.
Molecular consequence: nonsense. On other transcripts: non-coding transcript variant (1).
Genome position (GRCh38, 1-based): chr19:7,644,644, G>T. VCF-style: chr19-7644644-G-T. GRCh37 (hg19) VCF-style: chr19-7709530-G-T.
Other names: c.1129G>T, p.Glu377Ter (NM_001127396.3); c.1171G>T, p.Glu391Ter (NM_001272034.2); c.1042G>T, p.Glu348Ter (NM_001414484.1); short protein forms E348*, E377*, E380*, E391*.
Identifiers: ClinVar variation 2679077 (VCV002679077.4), dbSNP rs772141641, ClinGen allele CA9144010.
Genomic context (GRCh38, chr19:7,644,644, plus strand): 5'-GCCGGTGGACGGCTGACCCCATGCCCGCAGGACCTGGCCATGGGCTCCGACGCAGAGGGG[G>T]AGAAGATCAAGGACTCCATGAAGCTGATCGTTCCGGTGCTGCTGGACGCGGCGGTGCCCG-3'